The following is an entry in ClinVar:

NM_032776.3(JMJD1C):c.3300T>C (p.Ser1100=)

Gene: JMJD1C (jumonji domain containing 1C; minus strand). Cytogenetic location: 10q21.3.
Variant type: single nucleotide variant.
Coding change: c.3300T>C on transcript NM_032776.3 (MANE Select); coding-DNA position 3300, T replaced by C.
Protein change: p.Ser1100=; no amino-acid change (serine 1100 retained).
Molecular consequence: synonymous variant. On other transcripts: non-coding transcript variant (1).
Genome position (GRCh38, 1-based): chr10:63,208,369, A>G on the plus strand (T>C on the coding strand, the complement: JMJD1C is on the minus strand). VCF-style: chr10-63208369-A-G. GRCh37 (hg19) VCF-style: chr10-64968129-A-G.
Other names: c.2754T>C, p.Ser918= (NM_001282948.2, NM_001318154.2); c.2436T>C, p.Ser812= (NM_001318153.2); c.3186T>C, p.Ser1062= (NM_001322252.2); c.2643T>C, p.Ser881= (NM_001322254.2, NM_001322258.2); c.3300T>C (NM_032776.2).
Identifiers: ClinVar variation 1089094 (VCV001089094.10), dbSNP rs1273669583, ClinGen allele CA469998757.

ClinVar aggregate classification (germline): Likely benign. Review status: criteria provided, single submitter (1 of 4 stars). 2 submissions from 2 submitters: Likely benign (1). 1 of the submissions does not count toward it. Last evaluated 2022-11-24.

Conditions:
JMJD1C-related disorder. Also called: JMJD1C-related condition.
Early Myoclonic Encephalopathy. Identifiers: MedGen C0270855.

Allele frequency attached by ClinVar (database versions not stated): gnomAD exomes below 0.00001; gnomAD 0.00001 and 0.00002; TOPMed 0.00003.
gnomAD v4.1: 6 of 1,613,570 alleles (0.00037%); highest among the groups gnomAD compares: Admixed American, 0.0017%; no homozygotes.

Submissions (2):

Labcorp Genetics (formerly Invitae), Labcorp
Classification: Likely benign for Early Myoclonic Encephalopathy. Last evaluated: 2022-11-24. Review status: criteria provided, single submitter. Criteria: Invitae Variant Classification Sherloc (09022015). Collection method: clinical testing. Allele origin: germline.

PreventionGenetics, part of Exact Sciences
Classification: Likely benign for JMJD1C-related condition. Last evaluated: 2019-07-29. Review status: no assertion criteria provided. Collection method: clinical testing. Allele origin: germline. Not counted in ClinVar's aggregate classification.
Comment: This variant is classified as likely benign based on ACMG/AMP sequence variant interpretation guidelines (Richards et al. 2015 PMID: 25741868, with internal and published modifications).